The following is an entry in ClinVar:

NM_001003800.2(BICD2):c.2258+757_2305del

Gene: BICD2 (BICD cargo adaptor 2; minus strand). Cytogenetic location: 9q22.31.
Variant type: Deletion.
Coding change: c.2258+757_2305del on transcript NM_001003800.2 (MANE Select); 757 bases into the intron after coding-DNA position 2258 through coding-DNA position 2305, 1,624 bases deleted.
Molecular consequence: splice acceptor variant.
Genome position (GRCh38, 1-based): chr9:92,715,417-92,717,040, 1,624 bases deleted. GRCh37 (hg19): chr9:95,477,704-95,479,327.
Other names: c.2258+757_2305del (NM_015250.4).
Identifiers: ClinVar variation 859802 (VCV000859802.1), ClinGen allele CA916083053.

ClinVar aggregate classification (germline): Uncertain significance (1 of 4 stars; one submission).

Conditions:
Autosomal dominant childhood-onset proximal spinal muscular atrophy with contractures (SMALED2A). Also called: SPINAL MUSCULAR ATROPHY, LOWER EXTREMITY-PREDOMINANT, 2A, CHILDHOOD ONSET, AUTOSOMAL DOMINANT; Spinal muscular atrophy, lower extremity-predominant, 2A, autosomal dominant. Identifiers: Orphanet 363447, Orphanet 363454, MedGen C4747715, MONDO:0014121, OMIM 615290.

Submission:

Labcorp Genetics (formerly Invitae), Labcorp
Classification: Uncertain significance for Spinal muscular atrophy, lower extremity-predominant, 2A, autosomal dominant. Last evaluated: 2019-09-30. Review status: criteria provided, single submitter. Criteria: Invitae Variant Classification Sherloc (09022015). Collection method: clinical testing. Allele origin: germline.
Comment: This variant is a deletion of the genomic region encompassing part of exon 7 (c.2258+753_2301del) of the BICD2 gene. While this is not anticipated to result in nonsense mediated decay, it likely alters RNA splicing and results in a disrupted protein product. This variant has not been reported in the literature in individuals with BICD2-related conditions. Experimental studies and prediction algorithms are not available for this variant, and the functional significance of the affected amino acid(s) is currently unknown. In summary, the available evidence is currently insufficient to determine the role of this variant in disease. Therefore, it has been classified as a Variant of Uncertain Significance.